The following is an entry in ClinVar:

ClinVar aggregate classification (germline): Uncertain significance (1 of 4 stars; one submission).

Conditions:
FADD-related immunodeficiency. Also called: Infections, recurrent, with encephalopathy, hepatic dysfunction, and cardiovascular malformations; FADD DEFICIENCY. Identifiers: Orphanet 306550, MedGen C3151062, MONDO:0013408, OMIM 613759.

Submission:

Labcorp Genetics (formerly Invitae), Labcorp
Classification: Uncertain significance for FADD-related immunodeficiency. Last evaluated: 2025-09-14. Review status: criteria provided, single submitter. Criteria: Invitae Variant Classification Sherloc (09022015). Collection method: clinical testing. Allele origin: germline.
Comment: This sequence change replaces alanine, which is neutral and non-polar, with valine, which is neutral and non-polar, at codon 183 of the FADD protein (p.Ala183Val). This variant is not present in population databases (gnomAD no frequency). This variant has not been reported in the literature in individuals affected with FADD-related conditions. An algorithm developed to predict the effect of missense changes on protein structure and function (PolyPhen-2) suggests that this variant is likely to be disruptive. In summary, the available evidence is currently insufficient to determine the role of this variant in disease. Therefore, it has been classified as a Variant of Uncertain Significance.

NM_003824.4(FADD):c.548C>T (p.Ala183Val)

Gene: FADD (Fas associated via death domain; plus strand). Cytogenetic location: 11q13.3.
Variant type: single nucleotide variant.
Coding change: c.548C>T on transcript NM_003824.4 (MANE Select); coding-DNA position 548, C replaced by T.
Protein change: p.Ala183Val; replaces alanine 183 with valine.
Molecular consequence: missense variant.
Genome position (GRCh38, 1-based): chr11:70,206,394, C>T. VCF-style: chr11-70206394-C-T. GRCh37 (hg19) VCF-style: chr11-70052500-C-T.
Other names: short protein forms A183V.
Identifiers: ClinVar variation 4780948 (VCV004780948.1).